The following is an entry in ClinVar:

ClinVar aggregate classification (germline): Uncertain significance (1 of 4 stars; one submission).

Conditions:
Pyridoxine-dependent epilepsy (EPEO4). Also called: Pyridoxine-Dependent Epilepsy - ALDH7A1; EPILEPSY, EARLY-ONSET, 4, VITAMIN B6-DEPENDENT; Pyridoxine-Dependent Seizures; PYRIDOXINE DEPENDENCY WITH SEIZURES. Identifiers: Orphanet 3006, MedGen C1849508, MONDO:0009945, OMIM 266100. Disease mechanism: loss of function.

Allele frequency attached by ClinVar (database versions not stated): ExAC 0.00002; TOPMed 0.00002; gnomAD 0.00001; ESP Exome Variant Server 0.00008.
gnomAD v4.1: 18 of 1,613,892 alleles (0.0011%); highest among the groups gnomAD compares: Non-Finnish European, 0.0015%; no homozygotes.

Submission:

Labcorp Genetics (formerly Invitae), Labcorp
Classification: Uncertain significance for Pyridoxine-dependent epilepsy. Last evaluated: 2021-08-28. Review status: criteria provided, single submitter. Criteria: Invitae Variant Classification Sherloc (09022015). Collection method: clinical testing. Allele origin: germline.
Comment: This sequence change replaces tyrosine with phenylalanine at codon 88 of the ALDH7A1 protein (p.Tyr88Phe). The tyrosine residue is moderately conserved and there is a small physicochemical difference between tyrosine and phenylalanine. This variant is present in population databases (rs376294954, ExAC 0.005%). This variant has not been reported in the literature in individuals affected with ALDH7A1-related conditions. Algorithms developed to predict the effect of missense changes on protein structure and function are either unavailable or do not agree on the potential impact of this missense change (SIFT: "Tolerated"; PolyPhen-2: "Probably Damaging"; Align-GVGD: "Class C0"). In summary, the available evidence is currently insufficient to determine the role of this variant in disease. Therefore, it has been classified as a Variant of Uncertain Significance.

NM_001182.5(ALDH7A1):c.263A>T (p.Tyr88Phe)

Gene: ALDH7A1 (aldehyde dehydrogenase 7 family member A1; minus strand). Cytogenetic location: 5q23.2.
Variant type: single nucleotide variant.
Coding change: c.263A>T on transcript NM_001182.5 (MANE Select); coding-DNA position 263, A replaced by T.
Protein change: p.Tyr88Phe; replaces tyrosine 88 with phenylalanine.
Molecular consequence: missense variant.
Genome position (GRCh38, 1-based): chr5:126,592,713, T>A on the plus strand (A>T on the coding strand, the complement: ALDH7A1 is on the minus strand). VCF-style: chr5-126592713-T-A. GRCh37 (hg19) VCF-style: chr5-125928405-T-A.
Other names: c.179A>T, p.Tyr60Phe (NM_001201377.2); c.263A>T, p.Tyr88Phe (NM_001202404.2); short protein forms Y88F, Y60F.
Identifiers: ClinVar variation 410538 (VCV000410538.6), dbSNP rs376294954, ClinGen allele CA3389821.